The following is an entry in ClinVar:

ClinVar aggregate classification (germline): Uncertain significance. Review status: criteria provided, multiple submitters, no conflicts (2 of 4 stars). 2 submissions from 2 submitters: Uncertain significance (2). Last evaluated 2026-01-08.

Conditions:
Aortic aneurysm, familial thoracic 7 (AAT7). Also called: AORTIC DISSECTION, FAMILIAL, WITH OR WITHOUT AORTIC ANEURYSM. Identifiers: MedGen C3151077, MONDO:0013418, OMIM 613780.

Allele frequency attached by ClinVar (database versions not stated): gnomAD exomes below 0.00001; TOPMed below 0.00001.
gnomAD v4.1: 3 of 1,612,854 alleles (0.00019%); highest among the groups gnomAD compares: Non-Finnish European, 0.00017%; no homozygotes.

Submissions (2):

Labcorp Genetics (formerly Invitae), Labcorp
Classification: Uncertain significance for Aortic aneurysm, familial thoracic 7. Last evaluated: 2026-01-08. Review status: criteria provided, single submitter. Criteria: Invitae Variant Classification Sherloc (09022015). Collection method: clinical testing. Allele origin: germline.
Comment: This sequence change replaces threonine, which is neutral and polar, with serine, which is neutral and polar, at codon 185 of the MYLK protein (p.Thr185Ser). This variant is present in population databases (no rsID available, gnomAD 0.0009%). This variant has not been reported in the literature in individuals affected with MYLK-related conditions. ClinVar contains an entry for this variant (Variation ID: 373471). Invitae Evidence Modeling of protein sequence and biophysical properties (such as structural, functional, and spatial information, amino acid conservation, physicochemical variation, residue mobility, and thermodynamic stability) indicates that this missense variant is not expected to disrupt MYLK protein function with a negative predictive value of 95%. In summary, the available evidence is currently insufficient to determine the role of this variant in disease. Therefore, it has been classified as a Variant of Uncertain Significance.

GeneDx
Classification: Uncertain significance. Last evaluated: 2016-11-22. Review status: criteria provided, single submitter. Criteria: GeneDx Variant Classification (06012015). Collection method: clinical testing. Allele origin: germline. Affected: yes.
Comment: A variant of uncertain significance has been identified in the MYLK gene. The T185S variant has not been published as a pathogenic variant or been reported as a benign variant to our knowledge. This variant was not observed in the Exome Aggregation Consortium or in approximately 6,500 individuals of European and African American ancestry in the NHLBI Exome Sequencing Project, indicating it is not a common benign variant in these populations. Although the T185S variant occurs at a position that is conserved across species, it is a conservative amino acid substitution, which is not likely to impact secondary protein structure as these residues share similar properties. In silico analysis is inconsistent in its predictions as to whether or not the variant is damaging to the protein structure/function.Therefore, based on the currently available information, it is unclear whether this variant is pathogenic or benign. This result cannot be interpreted for diagnosis or used for family member screening at this time.

NM_053025.4(MYLK):c.554C>G (p.Thr185Ser)

Gene: MYLK (myosin light chain kinase; minus strand). Cytogenetic location: 3q21.1.
Variant type: single nucleotide variant.
Coding change: c.554C>G on transcript NM_053025.4 (MANE Select); coding-DNA position 554, C replaced by G.
Protein change: p.Thr185Ser; replaces threonine 185 with serine.
Molecular consequence: missense variant.
Genome position (GRCh38, 1-based): chr3:123,738,931, G>C on the plus strand (C>G on the coding strand, the complement: MYLK is on the minus strand). VCF-style: chr3-123738931-G-C. GRCh37 (hg19) VCF-style: chr3-123457778-G-C.
Other names: c.26C>G, p.Thr9Ser (NM_001321309.2); c.554C>G, p.Thr185Ser (NM_053026.4, NM_053027.4, NM_053028.4); short protein forms T185S, T9S.
Identifiers: ClinVar variation 373471 (VCV000373471.9), dbSNP rs1057518439, ClinGen allele CA16042473.